The following is an entry in ClinVar:

ClinVar aggregate classification (germline): Uncertain significance. Review status: criteria provided, multiple submitters, no conflicts (2 of 4 stars). 2 submissions from 2 submitters: Uncertain significance (2). Last evaluated 2025-12-06.

Conditions:
Hereditary cancer-predisposing syndrome. Also called: Neoplastic Syndromes, Hereditary; Tumor predisposition; Hereditary neoplastic syndrome; Hereditary Cancer Syndrome. Identifiers: Orphanet 140162, MedGen C0027672, MeSH D009386, MONDO:0015356.
Hereditary breast ovarian cancer syndrome. Also called: Hereditary breast and ovarian cancer syndrome; Hereditary breast and ovarian cancer; Hereditary breast and ovarian cancer syndrome (HBOC); Breast and ovarian cancer; Hereditary breast and/or ovarian cancer syndrome; BRCA1- and BRCA2-Associated Hereditary Breast and Ovarian Cancer. Identifiers: Orphanet 145, MedGen C0677776, MeSH D061325, MONDO:0003582. Disease mechanism: loss of function.

Allele frequency attached by ClinVar (database versions not stated): TOPMed below 0.00001; gnomAD 0.00001.

Submissions (2):

Labcorp Genetics (formerly Invitae), Labcorp
Classification: Uncertain significance for Hereditary breast ovarian cancer syndrome. Last evaluated: 2025-12-06. Review status: criteria provided, single submitter. Criteria: Invitae Variant Classification Sherloc (09022015). Collection method: clinical testing. Allele origin: germline.
Comment: This sequence change replaces arginine, which is basic and polar, with lysine, which is basic and polar, at codon 3022 of the BRCA2 protein (p.Arg3022Lys). This variant is present in population databases (no rsID available, gnomAD 0.01%). This variant has not been reported in the literature in individuals affected with BRCA2-related conditions. ClinVar contains an entry for this variant (Variation ID: 628856). Invitae Evidence Modeling of protein sequence and biophysical properties (such as structural, functional, and spatial information, amino acid conservation, physicochemical variation, residue mobility, and thermodynamic stability) indicates that this missense variant is not expected to disrupt BRCA2 protein function with a negative predictive value of 95%. In summary, the available evidence is currently insufficient to determine the role of this variant in disease. Therefore, it has been classified as a Variant of Uncertain Significance.

Color Diagnostics, LLC DBA Color Health
Classification: Uncertain significance for Hereditary cancer-predisposing syndrome. Last evaluated: 2023-12-05. Review status: criteria provided, single submitter. Criteria: ACMG Guidelines, 2015. Collection method: clinical testing. Allele origin: germline.
Comment: This missense variant replaces arginine with lysine at codon 3022 of the BRCA2 protein. Computational prediction suggests that this variant may not impact protein structure and function (internally defined REVEL score threshold <= 0.5, PMID: 27666373). To our knowledge, functional studies have not been reported for this variant. This variant has not been reported in individuals affected with BRCA2-related disorders in the literature. This variant has been identified in 1/31388 chromosomes in the general population by the Genome Aggregation Database (gnomAD). The available evidence is insufficient to determine the role of this variant in disease conclusively. Therefore, this variant is classified as a Variant of Uncertain Significance.

NM_000059.4(BRCA2):c.9065G>A (p.Arg3022Lys)

Gene: BRCA2 (BRCA2 DNA repair associated; plus strand). Cytogenetic location: 13q13.1.
Variant type: single nucleotide variant.
Coding change: c.9065G>A on transcript NM_000059.4 (MANE Select); coding-DNA position 9065, G replaced by A.
Protein change: p.Arg3022Lys; replaces arginine 3022 with lysine.
Molecular consequence: missense variant.
Genome position (GRCh38, 1-based): chr13:32,379,861, G>A. VCF-style: chr13-32379861-G-A. GRCh37 (hg19) VCF-style: chr13-32953998-G-A.
Other names: short protein forms R3022K.
Identifiers: ClinVar variation 628856 (VCV000628856.13), dbSNP rs1287932047, ClinGen allele CA387757571.